The following is an entry in ClinVar:

ClinVar aggregate classification (germline): Uncertain significance (1 of 4 stars; one submission).

Conditions:
Cardiovascular phenotype. Identifiers: MedGen CN230736.

Allele frequency attached by ClinVar (database versions not stated): gnomAD exomes 0.00001.

Submission:

Ambry Genetics
Classification: Uncertain significance for Cardiovascular phenotype. Last evaluated: 2021-10-19. Review status: criteria provided, single submitter. Criteria: Ambry Variant Classification Scheme 2023. Collection method: clinical testing. Allele origin: germline.
Comment: The p.A165V variant (also known as c.494C>T), located in coding exon 1 of the ALPK3 gene, results from a C to T substitution at nucleotide position 494. The alanine at codon 165 is replaced by valine, an amino acid with similar properties. This amino acid position is conserved. In addition, this alteration is predicted to be tolerated by in silico analysis. Since supporting evidence is limited at this time, the clinical significance of this alteration remains unclear.

NM_020778.4(ALPK3):c.494C>T (p.Ala165Val)

Gene: ALPK3 (alpha kinase 3; plus strand). Cytogenetic location: 15q25.3.
Variant type: single nucleotide variant.
Coding change: c.494C>T on transcript NM_020778.4; coding-DNA position 494, C replaced by T.
Protein change: p.Ala165Val; replaces alanine 165 with valine.
Genome position (GRCh38, 1-based): chr15:84,817,340, C>T. VCF-style: chr15-84817340-C-T. GRCh37 (hg19) VCF-style: chr15-85360571-C-T.
Other names: short protein forms A165V.
Identifiers: ClinVar variation 1744316 (VCV001744316.2), dbSNP rs2505688856, ClinGen allele CA393369030.